The following is an entry in ClinVar:

ClinVar aggregate classification (germline): Uncertain significance. Review status: criteria provided, multiple submitters, no conflicts (2 of 4 stars). 2 submissions from 2 submitters: Uncertain significance (2). Last evaluated 2025-03-20.

Conditions:
Inborn genetic diseases. Identifiers: MedGen C0950123, MeSH D030342.

Submissions (2):

Ambry Genetics
Classification: Uncertain significance for Inborn genetic diseases. Last evaluated: 2025-03-20. Review status: criteria provided, single submitter. Criteria: Ambry Variant Classification Scheme 2023. Collection method: clinical testing. Allele origin: germline.

Labcorp Genetics (formerly Invitae), Labcorp
Classification: Uncertain significance. Last evaluated: 2022-07-19. Review status: criteria provided, single submitter. Criteria: Invitae Variant Classification Sherloc (09022015). Collection method: clinical testing. Allele origin: germline.
Comment: This variant is not present in population databases (gnomAD no frequency). In summary, the available evidence is currently insufficient to determine the role of this variant in disease. Therefore, it has been classified as a Variant of Uncertain Significance. Algorithms developed to predict the effect of missense changes on protein structure and function are either unavailable or do not agree on the potential impact of this missense change (SIFT: "Deleterious"; PolyPhen-2: "Possibly Damaging"; Align-GVGD: "Class C0"). ClinVar contains an entry for this variant (Variation ID: 1473262). This variant has not been reported in the literature in individuals affected with ADGRV1-related conditions. This sequence change replaces threonine, which is neutral and polar, with serine, which is neutral and polar, at codon 687 of the ADGRV1 protein (p.Thr687Ser).

NM_032119.4(ADGRV1):c.2059A>T (p.Thr687Ser)

Gene: ADGRV1 (adhesion G protein-coupled receptor V1; plus strand). Cytogenetic location: 5q14.3.
Variant type: single nucleotide variant.
Coding change: c.2059A>T on transcript NM_032119.4 (MANE Select); coding-DNA position 2059, A replaced by T.
Protein change: p.Thr687Ser; replaces threonine 687 with serine.
Molecular consequence: missense variant. On other transcripts: non-coding transcript variant (1).
Genome position (GRCh38, 1-based): chr5:90,637,767, A>T. VCF-style: chr5-90637767-A-T. GRCh37 (hg19) VCF-style: chr5-89933584-A-T.
Other names: c.2059A>T (NM_032119.3); short protein forms T687S.
Identifiers: ClinVar variation 1473262 (VCV001473262.9), dbSNP rs1156763944, ClinGen allele CA360383508.
Genomic context (GRCh38, chr5:90,637,767, plus strand): 5'-TTCTTTTCTTTTTATAAGGTATACATTCCCTTACATCGGGATGGAACTGATGGCCAGGCT[A>T]CTGTCTACTGGAGTTTGAAGCCCTCTGGCTTTAATTCAAAAGCAGTGACCCCGGATGATA-3'
Protein context (NP_115495.3, residues 677-697): LHRDGTDGQA[Thr687Ser]VYWSLKPSGF